The following is an entry in ClinVar:

NM_004994.3(MMP9):c.*146T>C

Genes: MMP9 (matrix metallopeptidase 9; plus strand), SLC12A5-AS1 (SLC12A5 and MMP9 antisense RNA 1; minus strand). Cytogenetic location: 20q13.12.
Variant type: single nucleotide variant.
Coding change: c.*146T>C on transcript NM_004994.3 (MANE Select); 146 bases downstream of the stop codon, T replaced by C.
Molecular consequence: 3 prime UTR variant.
Genome position (GRCh38, 1-based): chr20:46,016,514, T>C. VCF-style: chr20-46016514-T-C. GRCh37 (hg19) VCF-style: chr20-44645153-T-C.
Identifiers: ClinVar variation 338563 (VCV000338563.8), dbSNP rs9509, ClinGen allele CA10649785.
Genomic context (GRCh38, chr20:46,016,514, plus strand): 5'-GTATTCTGTTCTGGAGGAAAGGGAGGAGTGGAGGTGGGCTGGGCCCTCTCTTCTCACCTT[T>C]GTTTTTTGTTGGAGTGTTTCTAATAAACTTGGATTCTCTAACCTTTAGAAGCAGACTTTA-3'

ClinVar aggregate classification (germline): Benign. Review status: criteria provided, multiple submitters, no conflicts (2 of 4 stars). 3 submissions from 3 submitters: Benign (3). Last evaluated 2019-03-31.

Conditions:
Metaphyseal anadysplasia 2 (MANDP2). Also called: Metaphyseal anadysplasia 2, autosomal recessive. Identifiers: Orphanet 1040, MedGen C2751322, MONDO:0013113, OMIM 613073.

Allele frequency attached by ClinVar (database versions not stated): gnomAD exomes 0.05843; gnomAD 0.11221 and 0.11400; TOPMed 0.13005; 1000 Genomes Project 0.16374; 1000 Genomes Project 30x 0.17005.
gnomAD v4.1: 49,924 of 709,702 alleles (7%); highest among the groups gnomAD compares: African/African-American, 26%; 4,210 homozygotes.

Submissions (3):

GeneDx
Classification: Benign. Last evaluated: 2019-03-31. Review status: criteria provided, single submitter. Criteria: GeneDx Variant Classification Process June 2021. Collection method: clinical testing. Allele origin: germline. Affected: yes.

Illumina Laboratory Services, Illumina
Classification: Benign for Metaphyseal anadysplasia 2. Last evaluated: 2017-04-27. Review status: criteria provided, single submitter. Criteria: ICSL Variant Classification Criteria 13 December 2019. Collection method: clinical testing. Allele origin: germline.
Comment: This variant was observed as part of a predisposition screen in an ostensibly healthy population. A literature search was performed for the gene, cDNA change, and amino acid change (where applicable). No publications were found based on this search. Allele frequency data from public databases was too high to be consistent with this variant causing disease. Therefore, this variant is classified as benign.

Breakthrough Genomics
Classification: Benign. Review status: criteria provided, single submitter. Criteria: ACMG Guidelines, 2015. Collection method: not provided. Allele origin: germline. Inheritance: Autosomal recessive inheritance. Affected: yes.